The following is an entry in ClinVar:

NM_004168.4(SDHA):c.788A>G (p.Tyr263Cys)

Gene: SDHA (succinate dehydrogenase complex flavoprotein subunit A; plus strand). Cytogenetic location: 5p15.33.
Variant type: single nucleotide variant.
Coding change: c.788A>G on transcript NM_004168.4 (MANE Select); coding-DNA position 788, A replaced by G.
Protein change: p.Tyr263Cys; replaces tyrosine 263 with cysteine.
Molecular consequence: missense variant.
Genome position (GRCh38, 1-based): chr5:230,893, A>G. VCF-style: chr5-230893-A-G. GRCh37 (hg19) VCF-style: chr5-231008-A-G.
Other names: c.644A>G, p.Tyr215Cys (NM_001294332.2); c.788A>G, p.Tyr263Cys (NM_001330758.2); c.788A>G (NM_004168.2); short protein forms Y263C, Y215C.
Identifiers: ClinVar variation 1414815 (VCV001414815.10), dbSNP rs2126567907, ClinGen allele CA359011567.

ClinVar aggregate classification (germline): Uncertain significance. Review status: criteria provided, multiple submitters, no conflicts (2 of 4 stars). 3 submissions from 3 submitters: Uncertain significance (3). Last evaluated 2025-08-12.

Conditions:
Mitochondrial complex II deficiency, nuclear type 1. Also called: SUCCINATE CoQ REDUCTASE DEFICIENCY. Identifiers: Orphanet 3208, MedGen C5700310, MONDO:0100294, OMIM 252011.
Pheochromocytoma/paraganglioma syndrome 5. Also called: Paragangliomas 5; SDHA-Related Hereditary Paraganglioma-Pheochromocytoma Syndrome. Identifiers: Orphanet 29072, MedGen C3279992, MONDO:0013602, OMIM 614165.
Hereditary cancer-predisposing syndrome. Also called: Tumor predisposition; Hereditary Cancer Syndrome; Hereditary neoplastic syndrome; Neoplastic Syndromes, Hereditary. Identifiers: Orphanet 140162, MedGen C0027672, MeSH D009386, MONDO:0015356.

Submissions (3):

Ambry Genetics
Classification: Uncertain significance for Hereditary cancer-predisposing syndrome. Last evaluated: 2025-08-12. Review status: criteria provided, single submitter. Criteria: Ambry Variant Classification Scheme 2023. Collection method: clinical testing. Allele origin: germline.
Comment: The p.Y263C variant (also known as c.788A>G), located in coding exon 7 of the SDHA gene, results from an A to G substitution at nucleotide position 788. The tyrosine at codon 263 is replaced by cysteine, an amino acid with highly dissimilar properties. This amino acid position is well conserved in available vertebrate species. In addition, the in silico prediction for this alteration is inconclusive. Based on the available evidence, the clinical significance of this variant remains unclear.

GeneDx
Classification: Uncertain significance. Last evaluated: 2024-12-26. Review status: criteria provided, single submitter. Criteria: GeneDx Variant Classification Process June 2021. Collection method: clinical testing. Allele origin: germline. Affected: yes.
Comment: Not observed at significant frequency in large population cohorts (gnomAD); In silico analysis supports that this missense variant has a deleterious effect on protein structure/function; Has not been previously published as pathogenic or benign to our knowledge

Labcorp Genetics (formerly Invitae), Labcorp
Classification: Uncertain significance for Pheochromocytoma/paraganglioma syndrome 5; Mitochondrial complex II deficiency, nuclear type 1. Last evaluated: 2021-02-18. Review status: criteria provided, single submitter. Criteria: Invitae Variant Classification Sherloc (09022015). Collection method: clinical testing. Allele origin: germline.
Comment: In summary, the available evidence is currently insufficient to determine the role of this variant in disease. Therefore, it has been classified as a Variant of Uncertain Significance. Algorithms developed to predict the effect of missense changes on protein structure and function (SIFT, PolyPhen-2, Align-GVGD) all suggest that this variant is likely to be disruptive, but these predictions have not been confirmed by published functional studies and their clinical significance is uncertain. This variant has not been reported in the literature in individuals with SDHA-related conditions. This variant is not present in population databases (ExAC no frequency). This sequence change replaces tyrosine with cysteine at codon 263 of the SDHA protein (p.Tyr263Cys). The tyrosine residue is moderately conserved and there is a large physicochemical difference between tyrosine and cysteine.